The following is an entry in ClinVar:

ClinVar aggregate classification (germline): Uncertain significance (1 of 4 stars; one submission).

Allele frequency attached by ClinVar (database versions not stated): gnomAD exomes below 0.00001 and 0.00001; ExAC 0.00001.

Submission:

Labcorp Genetics (formerly Invitae), Labcorp
Classification: Uncertain significance. Last evaluated: 2022-03-13. Review status: criteria provided, single submitter. Criteria: Invitae Variant Classification Sherloc (09022015). Collection method: clinical testing. Allele origin: germline.
Comment: This variant has not been reported in the literature in individuals affected with C9-related conditions. This sequence change replaces cysteine, which is neutral and slightly polar, with tyrosine, which is neutral and polar, at codon 88 of the C9 protein (p.Cys88Tyr). This variant is present in population databases (rs763127440, gnomAD 0.006%). Algorithms developed to predict the effect of missense changes on protein structure and function are either unavailable or do not agree on the potential impact of this missense change (SIFT: "Not Available"; PolyPhen-2: "Probably Damaging"; Align-GVGD: "Not Available"). In summary, the available evidence is currently insufficient to determine the role of this variant in disease. Therefore, it has been classified as a Variant of Uncertain Significance.

NM_001737.5(C9):c.263G>A (p.Cys88Tyr)

Gene: C9 (complement C9; minus strand). Cytogenetic location: 5p13.1.
Variant type: single nucleotide variant.
Coding change: c.263G>A on transcript NM_001737.5 (MANE Select); coding-DNA position 263, G replaced by A.
Protein change: p.Cys88Tyr; replaces cysteine 88 with tyrosine.
Molecular consequence: missense variant.
Genome position (GRCh38, 1-based): chr5:39,341,621, C>T on the plus strand (G>A on the coding strand, the complement: C9 is on the minus strand). VCF-style: chr5-39341621-C-T. GRCh37 (hg19) VCF-style: chr5-39341723-C-T.
Other names: short protein forms C88Y.
Identifiers: ClinVar variation 1399326 (VCV001399326.8), dbSNP rs763127440, ClinGen allele CA3247077.